The following is an entry in ClinVar:

NM_005359.6(SMAD4):c.399C>T (p.Tyr133=)

Gene: SMAD4 (SMAD family member 4; plus strand). Cytogenetic location: 18q21.2.
Variant type: single nucleotide variant.
Coding change: c.399C>T on transcript NM_005359.6 (MANE Select); coding-DNA position 399, C replaced by T.
Protein change: p.Tyr133=; no amino-acid change (tyrosine 133 retained).
Molecular consequence: synonymous variant.
Genome position (GRCh38, 1-based): chr18:51,048,835, C>T. VCF-style: chr18-51048835-C-T. GRCh37 (hg19) VCF-style: chr18-48575205-C-T.
Identifiers: ClinVar variation 413433 (VCV000413433.26), dbSNP rs779069779, ClinGen allele CA8965771.

ClinVar aggregate classification (germline): Benign/Likely benign. Review status: criteria provided, multiple submitters, no conflicts (2 of 4 stars). 10 submissions from 10 submitters: Benign (1); Likely benign (8). 1 of the submissions does not count toward it. Last evaluated 2025-11-17.

Conditions:
Hereditary cancer-predisposing syndrome. Also called: Neoplastic Syndromes, Hereditary; Tumor predisposition; Hereditary Cancer Syndrome; Hereditary neoplastic syndrome. Identifiers: Orphanet 140162, MedGen C0027672, MeSH D009386, MONDO:0015356.
Familial thoracic aortic aneurysm and aortic dissection (TAAD). Also called: Thoracic aortic aneurysms and dissections. Identifiers: Orphanet 91387, MedGen C4707243, MONDO:0019625.
SMAD4-related disorder. Also called: SMAD4-Related disorders; SMAD4-related condition.
Juvenile polyposis syndrome (JPS). Identifiers: Orphanet 2929, MedGen C0345893, MONDO:0017380, OMIM 174900.
Juvenile polyposis/hereditary hemorrhagic telangiectasia syndrome (JPHT). Also called: JP/HHT SYNDROME; JUVENILE POLYPOSIS WITH HEREDITARY HEMORRHAGIC TELANGIECTASIA; POLYPOSIS, GENERALIZED JUVENILE, WITH PULMONARY ARTERIOVENOUS MALFORMATION; TELANGIECTASIA, HEREDITARY HEMORRHAGIC, WITH JUVENILE POLYPOSIS COLI; Juvenile Polyposis Syndrome / Hereditary Hemorrhagic Telangiectasia (JPS/HHT). Identifiers: Orphanet 2929, MedGen C1832942, MONDO:0008278, OMIM 175050.

Allele frequency attached by ClinVar (database versions not stated): TOPMed below 0.00001; ExAC 0.00001; gnomAD 0.00001; gnomAD exomes 0.00001.
gnomAD v4.1: 14 of 1,613,530 alleles (0.00087%); highest among the groups gnomAD compares: African/African-American, 0.0013%; no homozygotes.

Submissions (10):

Labcorp Genetics (formerly Invitae), Labcorp
Classification: Likely benign for Juvenile polyposis syndrome. Last evaluated: 2025-11-17. Review status: criteria provided, single submitter. Criteria: Invitae Variant Classification Sherloc (09022015). Collection method: clinical testing. Allele origin: germline.

Myriad Genetics, Inc.
Classification: Benign for Juvenile polyposis/hereditary hemorrhagic telangiectasia syndrome. Last evaluated: 2025-03-18. Review status: criteria provided, single submitter. Criteria: Myriad Autosomal Dominant, Autosomal Recessive and X-Linked Classification Criteria (2023). Collection method: clinical testing. Allele origin: unknown.
Comment: This variant is considered benign. This variant is a silent/synonymous amino acid change and it is not expected to impact splicing.

Blueprint Genetics
Classification: Likely benign. Last evaluated: 2024-11-19. Review status: criteria provided, single submitter. Criteria: ACMG Guidelines, 2015. Collection method: clinical testing. Allele origin: germline.

All of Us Research Program, National Institutes of Health
Classification: Likely benign for Juvenile polyposis/hereditary hemorrhagic telangiectasia syndrome. Last evaluated: 2023-08-15. Review status: criteria provided, single submitter. Criteria: ACMG Guidelines, 2015. Collection method: clinical testing. Allele origin: germline. Inheritance: Autosomal dominant inheritance. Observed: 3 variant alleles, 3 heterozygotes.
Comment: This study involves interpretation of variants in research participants for the purpose of population health screening. Participant phenotype was not available at the time of variant classification. Additional details can be found in publication PMID: 35346344, PMCID: PMC8962531

Quest Diagnostics Nichols Institute San Juan Capistrano
Classification: Likely benign. Last evaluated: 2022-10-21. Review status: criteria provided, single submitter. Criteria: Quest Diagnostics criteria. Collection method: clinical testing. Allele origin: unknown.

GeneDx
Classification: Likely benign. Last evaluated: 2020-09-24. Review status: criteria provided, single submitter. Criteria: GeneDx Variant Classification Process June 2021. Collection method: clinical testing. Allele origin: germline. Affected: yes.

Women's Health and Genetics/Laboratory Corporation of America, LabCorp
Classification: Likely benign. Last evaluated: 2019-12-27. Review status: criteria provided, single submitter. Criteria: LabCorp Variant Classification Summary - May 2015. Collection method: clinical testing. Allele origin: germline.

Ambry Genetics
Classification: Likely benign for Hereditary cancer-predisposing syndrome; Familial thoracic aortic aneurysm and aortic dissection. Last evaluated: 2017-07-20. Review status: criteria provided, single submitter. Criteria: Ambry Variant Classification Scheme 2023. Collection method: clinical testing. Allele origin: germline.

Color Diagnostics, LLC DBA Color Health
Classification: Likely benign for Hereditary cancer-predisposing syndrome. Last evaluated: 2017-07-17. Review status: criteria provided, single submitter. Criteria: ACMG Guidelines, 2015. Collection method: clinical testing. Allele origin: germline.

PreventionGenetics, part of Exact Sciences
Classification: Likely benign for SMAD4-related condition. Last evaluated: 2019-11-08. Review status: no assertion criteria provided. Collection method: clinical testing. Allele origin: germline. Not counted in ClinVar's aggregate classification.
Comment: This variant is classified as likely benign based on ACMG/AMP sequence variant interpretation guidelines (Richards et al. 2015 PMID: 25741868, with internal and published modifications).